The following is an entry in ClinVar:

NM_001382391.1(CSPP1):c.3598G>A (p.Glu1200Lys)

Genes: ARFGEF1 (ARF guanine nucleotide exchange factor 1; minus strand), CSPP1 (centrosome and spindle pole associated protein 1; plus strand). Cytogenetic location: 8q13.2.
Variant type: single nucleotide variant.
Coding change: c.3598G>A on transcript NM_001382391.1 (MANE Select); coding-DNA position 3598, G replaced by A.
Protein change: p.Glu1200Lys; replaces glutamic acid 1200 with lysine.
Molecular consequence: missense variant. On other transcripts: 3 prime UTR variant (1), intron variant (2).
Genome position (GRCh38, 1-based): chr8:67,195,510, G>A. VCF-style: chr8-67195510-G-A. GRCh37 (hg19) VCF-style: chr8-68107745-G-A.
Other names: c.2548G>A, p.Glu850Lys (NM_001291339.2); c.3517G>A, p.Glu1173Lys (NM_001363131.2); c.3403G>A, p.Glu1135Lys (NM_001363132.2); c.3322G>A, p.Glu1108Lys (NM_001363133.2); c.3664G>A, p.Glu1222Lys (NM_001364869.1); c.3484G>A, p.Glu1162Lys (NM_001364870.1); c.3430G>A, p.Glu1144Lys (NM_001438330.1); c.*90G>A (NM_001438331.1); and 4 more; short protein forms E1222K, E850K, E1135K, E1162K, E1173K, E1200K, E1195K, E1108K.
Identifiers: ClinVar variation 2093984 (VCV002093984.4), dbSNP rs1427409108, ClinGen allele CA371204454.

ClinVar aggregate classification (germline): Uncertain significance (1 of 4 stars; one submission).

Conditions:
Joubert syndrome 21 (JBTS21). Identifiers: MedGen C3810212, MONDO:0014288, OMIM 615636.

Submission:

Labcorp Genetics (formerly Invitae), Labcorp
Classification: Uncertain significance for Joubert syndrome 21. Last evaluated: 2022-02-06. Review status: criteria provided, single submitter. Criteria: Invitae Variant Classification Sherloc (09022015). Collection method: clinical testing. Allele origin: germline.
Comment: In summary, the available evidence is currently insufficient to determine the role of this variant in disease. Therefore, it has been classified as a Variant of Uncertain Significance. Algorithms developed to predict the effect of missense changes on protein structure and function are either unavailable or do not agree on the potential impact of this missense change (SIFT: "Tolerated"; PolyPhen-2: "Probably Damaging"; Align-GVGD: "Class C0"). This variant has not been reported in the literature in individuals affected with CSPP1-related conditions. This variant is not present in population databases (gnomAD no frequency). This sequence change replaces glutamic acid, which is acidic and polar, with lysine, which is basic and polar, at codon 1195 of the CSPP1 protein (p.Glu1195Lys).